The following is an entry in ClinVar:

ClinVar aggregate classification (germline): Likely benign. Review status: criteria provided, multiple submitters, no conflicts (2 of 4 stars). 2 submissions from 2 submitters: Likely benign (2). Last evaluated 2025-04-28.

Allele frequency attached by ClinVar (database versions not stated): ExAC 0.00001; gnomAD exomes 0.00001.

Submissions (2):

Labcorp Genetics (formerly Invitae), Labcorp
Classification: Likely benign. Last evaluated: 2025-04-28. Review status: criteria provided, single submitter. Criteria: Invitae Variant Classification Sherloc (09022015). Collection method: clinical testing. Allele origin: germline.

GeneDx
Classification: Likely benign. Last evaluated: 2017-10-30. Review status: criteria provided, single submitter. Criteria: GeneDx Variant Classification (06012015). Collection method: clinical testing. Allele origin: germline. Affected: yes.
Comment: This variant is considered likely benign or benign based on one or more of the following criteria: it is a conservative change, it occurs at a poorly conserved position in the protein, it is predicted to be benign by multiple in silico algorithms, and/or has population frequency not consistent with disease.

NM_006231.4(POLE):c.4005+8C>A

Gene: POLE (DNA polymerase epsilon, catalytic subunit; minus strand). Cytogenetic location: 12q24.33.
Variant type: single nucleotide variant.
Coding change: c.4005+8C>A on transcript NM_006231.4 (MANE Select); 8 bases into the intron after coding-DNA position 4005, C replaced by A.
Molecular consequence: intron variant.
Genome position (GRCh38, 1-based): chr12:132,649,298, G>T on the plus strand (C>A on the coding strand, the complement: POLE is on the minus strand). VCF-style: chr12-132649298-G-T. GRCh37 (hg19) VCF-style: chr12-133225884-G-T.
Identifiers: ClinVar variation 473634 (VCV000473634.11), dbSNP rs762723589, ClinGen allele CA6893033.